The following is an entry in ClinVar:

NM_000815.5(GABRD):c.94G>A (p.Val32Met)

Gene: GABRD (gamma-aminobutyric acid type A receptor subunit delta; plus strand). Cytogenetic location: 1p36.33.
Variant type: single nucleotide variant.
Coding change: c.94G>A on transcript NM_000815.5 (MANE Select); coding-DNA position 94, G replaced by A.
Protein change: p.Val32Met; replaces valine 32 with methionine.
Molecular consequence: missense variant.
Genome position (GRCh38, 1-based): chr1:2,024,967, G>A. VCF-style: chr1-2024967-G-A. GRCh37 (hg19) VCF-style: chr1-1956406-G-A.
Other names: short protein forms V32M.
Identifiers: ClinVar variation 1060769 (VCV001060769.9), dbSNP rs1295769740, ClinGen allele CA337955324.

ClinVar aggregate classification (germline): Uncertain significance (1 of 4 stars; one submission).

Conditions:
Idiopathic generalized epilepsy. Also called: EIG; Generalised epilepsy. Identifiers: MedGen C0270850, MONDO:0005579, OMIM 600669.

Allele frequency attached by ClinVar (database versions not stated): gnomAD exomes below 0.00001; gnomAD 0.00001; TOPMed 0.00001.

Submission:

Labcorp Genetics (formerly Invitae), Labcorp
Classification: Uncertain significance for Idiopathic generalized epilepsy. Last evaluated: 2024-03-04. Review status: criteria provided, single submitter. Criteria: Invitae Variant Classification Sherloc (09022015). Collection method: clinical testing. Allele origin: germline.
Comment: This sequence change replaces valine, which is neutral and non-polar, with methionine, which is neutral and non-polar, at codon 32 of the GABRD protein (p.Val32Met). This variant is present in population databases (no rsID available, gnomAD 0.003%). This variant has not been reported in the literature in individuals affected with GABRD-related conditions. ClinVar contains an entry for this variant (Variation ID: 1060769). An algorithm developed to predict the effect of missense changes on protein structure and function (PolyPhen-2) suggests that this variant is likely to be disruptive. In summary, the available evidence is currently insufficient to determine the role of this variant in disease. Therefore, it has been classified as a Variant of Uncertain Significance.